The following is an entry in ClinVar:

NM_020779.4(WDR35):c.796A>G (p.Ser266Gly)

Gene: WDR35 (WD repeat domain 35; minus strand). Cytogenetic location: 2p24.1.
Variant type: single nucleotide variant.
Coding change: c.796A>G on transcript NM_020779.4 (MANE Select); coding-DNA position 796, A replaced by G.
Protein change: p.Ser266Gly; replaces serine 266 with glycine.
Molecular consequence: missense variant.
Genome position (GRCh38, 1-based): chr2:19,973,649, T>C on the plus strand (A>G on the coding strand, the complement: WDR35 is on the minus strand). VCF-style: chr2-19973649-T-C. GRCh37 (hg19) VCF-style: chr2-20173410-T-C.
Other names: c.796A>G, p.Ser266Gly (NM_001006657.2); short protein forms S266G.
Identifiers: ClinVar variation 1805647 (VCV001805647.5), dbSNP rs1672099438, ClinGen allele CA345946901.

ClinVar aggregate classification (germline): Uncertain significance. Review status: criteria provided, multiple submitters, no conflicts (2 of 4 stars). 4 submissions from 4 submitters: Uncertain significance (4). Last evaluated 2024-10-24.

Conditions:
Cranioectodermal dysplasia 2 (CED2). Identifiers: Orphanet 1515, MedGen C3150874, MONDO:0013323, OMIM 613610.
Short-rib thoracic dysplasia 7 with or without polydactyly (SRTD7). Also called: Short rib polydactyly syndrome 5; SHORT-RIB THORACIC DYSPLASIA 7 WITH POLYDACTYLY. Identifiers: Orphanet 498497, Orphanet 93271, MedGen C3279792, MONDO:0013569, OMIM 614091.

gnomAD v4.1: 5 of 1,614,236 alleles (0.00031%); no homozygotes.

Submissions (4):

Revvity Omics, Revvity
Classification: Uncertain significance. Last evaluated: 2024-10-24. Review status: criteria provided, single submitter. Criteria: ACMG Guidelines, 2015. Collection method: clinical testing. Allele origin: germline.

Labcorp Genetics (formerly Invitae), Labcorp
Classification: Uncertain significance for Cranioectodermal dysplasia 2; Short-rib thoracic dysplasia 7 with or without polydactyly. Last evaluated: 2024-09-28. Review status: criteria provided, single submitter. Criteria: Invitae Variant Classification Sherloc (09022015). Collection method: clinical testing. Allele origin: germline.
Comment: This sequence change replaces serine, which is neutral and polar, with glycine, which is neutral and non-polar, at codon 266 of the WDR35 protein (p.Ser266Gly). This variant is not present in population databases (gnomAD no frequency). This variant has not been reported in the literature in individuals affected with WDR35-related conditions. ClinVar contains an entry for this variant (Variation ID: 1805647). Invitae Evidence Modeling of protein sequence and biophysical properties (such as structural, functional, and spatial information, amino acid conservation, physicochemical variation, residue mobility, and thermodynamic stability) indicates that this missense variant is expected to disrupt WDR35 protein function with a positive predictive value of 80%. In summary, the available evidence is currently insufficient to determine the role of this variant in disease. Therefore, it has been classified as a Variant of Uncertain Significance.

GeneDx
Classification: Uncertain significance. Last evaluated: 2022-11-02. Review status: criteria provided, single submitter. Criteria: GeneDx Variant Classification Process June 2021. Collection method: clinical testing. Allele origin: germline. Affected: yes.
Comment: Not observed at significant frequency in large population cohorts (gnomAD); In silico analysis supports that this missense variant has a deleterious effect on protein structure/function; Has not been previously published as pathogenic or benign to our knowledge

Victorian Clinical Genetics Services, Murdoch Childrens Research Institute
Classification: Uncertain significance for Short-rib thoracic dysplasia 7 with or without polydactyly. Last evaluated: 2020-05-21. Review status: criteria provided, single submitter. Criteria: ACMG Guidelines, 2015. Collection method: clinical testing. Allele origin: germline. Inheritance: Autosomal recessive inheritance. Affected: yes.
Comment: Based on the classification scheme VCGS_Germline_v1.1.1, this variant is classified as VUS – 3A. Following criteria are met: 0102 - Loss-of-function is a known mechanism of disease for this gene. (N) 0106 - This gene is known to be associated with autosomal recessive disease. (N) 0200 - Variant is predicted to result in a missense amino acid change from serine to glycine (exon 8). (N) 0251 - Variant is heterozygous. (N) 0301 - Variant is absent from gnomAD. (P) 0309 - An alternative amino acid change at the same position has been observed in gnomAD (1 heterozygote, 0 homozygotes). (N) 0502 - Missense variant with conflicting in silico predictions and highconservation. (N) 0600 - Variant is located in an annotated domain or motif, (WD40 repeat; NCBI). (N) 0705 - No comparable variants have previous evidence for pathogenicity. (N) 0807 - Variant has not previously been reported in a clinical context. (N) 0905 - No segregation evidence has been identified for this variant, in the literature. (N) 1007 - No published functional evidence has been identified for this variant. (N) 1208 - Inheritance information for this variant is not currently available. (N) Legend: (P) - Pathogenic, (N) - Neutral, (B) - Benign